The following is an entry in ClinVar:

ClinVar aggregate classification (germline): Uncertain significance (1 of 4 stars; one submission).

Allele frequency attached by ClinVar (database versions not stated): gnomAD 0.00001; gnomAD exomes 0.00001 and 0.00002; ExAC 0.00002; TOPMed 0.00002.
gnomAD v4.1: 6 of 1,613,064 alleles (0.00037%); highest among the groups gnomAD compares: Admixed American, 0.01%; no homozygotes.

Submission:

Labcorp Genetics (formerly Invitae), Labcorp
Classification: Uncertain significance. Last evaluated: 2019-06-19. Review status: criteria provided, single submitter. Criteria: Invitae Variant Classification Sherloc (09022015). Collection method: clinical testing. Allele origin: germline.
Comment: This sequence change affects codon 559 of the TBC1D23 mRNA. It is a 'silent' change, meaning that it does not change the encoded amino acid sequence of the TBC1D23 protein. This variant is present in population databases (rs775005228, ExAC 0.02%). This variant has not been reported in the literature in individuals with TBC1D23-related conditions. Algorithms developed to predict the effect of sequence changes on RNA splicing suggest that this variant may create or strengthen a splice site, but this prediction has not been confirmed by published transcriptional studies. In summary, the available evidence is currently insufficient to determine the role of this variant in disease. Therefore, it has been classified as a Variant of Uncertain Significance.

NM_001199198.3(TBC1D23):c.1677A>G (p.Glu559=)

Gene: TBC1D23 (TBC1 domain family member 23; plus strand). Cytogenetic location: 3q12.2.
Variant type: single nucleotide variant.
Coding change: c.1677A>G on transcript NM_001199198.3 (MANE Select); coding-DNA position 1677, A replaced by G.
Protein change: p.Glu559=; no amino-acid change (glutamic acid 559 retained).
Molecular consequence: synonymous variant.
Genome position (GRCh38, 1-based): chr3:100,316,177, A>G. VCF-style: chr3-100316177-A-G. GRCh37 (hg19) VCF-style: chr3-100035021-A-G.
Other names: c.1632A>G, p.Glu544= (NM_018309.5).
Identifiers: ClinVar variation 934903 (VCV000934903.9), dbSNP rs775005228, ClinGen allele CA2514804.